The following is an entry in ClinVar:

NM_018163.3(DNAJC17):c.457G>C (p.Glu153Gln)

Gene: DNAJC17 (DnaJ heat shock protein family (Hsp40) member C17; minus strand). Cytogenetic location: 15q15.1.
Variant type: single nucleotide variant.
Coding change: c.457G>C on transcript NM_018163.3 (MANE Select); coding-DNA position 457, G replaced by C.
Protein change: p.Glu153Gln; replaces glutamic acid 153 with glutamine.
Molecular consequence: missense variant.
Genome position (GRCh38, 1-based): chr15:40,776,217, C>G on the plus strand (G>C on the coding strand, the complement: DNAJC17 is on the minus strand). VCF-style: chr15-40776217-C-G. GRCh37 (hg19) VCF-style: chr15-41068415-C-G.
Other names: short protein forms E153Q.
Identifiers: ClinVar variation 3726810 (VCV003726810.2).

ClinVar aggregate classification (germline): Uncertain significance (1 of 4 stars; one submission).

Submission:

Labcorp Genetics (formerly Invitae), Labcorp
Classification: Uncertain significance. Last evaluated: 2024-12-13. Review status: criteria provided, single submitter. Criteria: Invitae Variant Classification Sherloc (09022015). Collection method: clinical testing. Allele origin: germline.
Comment: This sequence change replaces glutamic acid, which is acidic and polar, with glutamine, which is neutral and polar, at codon 153 of the DNAJC17 protein (p.Glu153Gln). This variant is not present in population databases (gnomAD no frequency). This variant has not been reported in the literature in individuals affected with DNAJC17-related conditions. An algorithm developed to predict the effect of missense changes on protein structure and function (PolyPhen-2) suggests that this variant is likely to be tolerated. In summary, the available evidence is currently insufficient to determine the role of this variant in disease. Therefore, it has been classified as a Variant of Uncertain Significance.